The following is an entry in ClinVar:

NM_000254.3(MTR):c.1812_1812+1insATAC

Gene: MTR (5-methyltetrahydrofolate-homocysteine methyltransferase; plus strand). Cytogenetic location: 1q43.
Variant type: Insertion.
Coding change: c.1812_1812+1insATAC on transcript NM_000254.3 (MANE Select); coding-DNA position 1812 through the canonical splice donor site of the intron after coding-DNA position 1812, ATAC inserted.
Molecular consequence: splice donor variant.
Genome position: GRCh38 VCF-style: chr1-236852637-G-GATAC. GRCh37 (hg19) VCF-style: chr1-237015937-G-GATAC.
Other names: c.1812_1812+1insATAC (NM_001291939.1, NM_001410942.1); c.591_591+1insATAC (NM_001291940.2).
Identifiers: ClinVar variation 2858772 (VCV002858772.3), dbSNP rs2528177941, ClinGen allele CA2739274014.

ClinVar aggregate classification (germline): Pathogenic (1 of 4 stars; one submission).

Conditions:
Methylcobalamin deficiency type cblG (HMAG). Also called: Functional methionine synthase deficiency type cblG; HOMOCYSTINURIA-MEGALOBLASTIC ANEMIA DUE TO DEFECT IN COBALAMIN METABOLISM, cblG COMPLEMENTATION TYPE; HOMOCYSTINURIA-MEGALOBLASTIC ANEMIA, cblG TYPE; HOMOCYSTINURIA-MEGALOBLASTIC ANEMIA, cblG COMPLEMENTATION TYPE. Identifiers: Orphanet 2170, Orphanet 622, MedGen C1855128, MONDO:0009609, OMIM 250940.

Submission:

Labcorp Genetics (formerly Invitae), Labcorp
Classification: Pathogenic for Methylcobalamin deficiency type cblG. Last evaluated: 2023-04-24. Review status: criteria provided, single submitter. Criteria: Invitae Variant Classification Sherloc (09022015). Collection method: clinical testing. Allele origin: germline.
Comment: For these reasons, this variant has been classified as Pathogenic. Algorithms developed to predict the effect of sequence changes on RNA splicing suggest that this variant may disrupt the consensus splice site. This variant has not been reported in the literature in individuals affected with MTR-related conditions. This variant is not present in population databases (gnomAD no frequency). This sequence change creates a premature translational stop signal (p.Ser605Ilefs*18) in the MTR gene. It is expected to result in an absent or disrupted protein product. Loss-of-function variants in MTR are known to be pathogenic (PMID: 9683607, 12068375).

Literature cited by the submitters: PubMed 9683607; PubMed 12068375.